The following is an entry in ClinVar:

ClinVar aggregate classification (germline): Likely benign. Review status: criteria provided, multiple submitters, no conflicts (2 of 4 stars). 2 submissions from 2 submitters: Likely benign (2). Last evaluated 2025-06-10.

Conditions:
MYBPC3-related disorder. Also called: MYBPC3-related disorders; MYBPC3-related condition; MYBPC3-related disease.

Submissions (2):

PreventionGenetics, part of Exact Sciences
Classification: Likely benign for MYBPC3-related condition. Last evaluated: 2025-06-10. Review status: criteria provided, single submitter. Criteria: ACMG Guidelines, 2015. Collection method: clinical testing. Allele origin: germline.
Comment: This variant is classified as likely benign based on ACMG/AMP sequence variant interpretation guidelines (Richards et al. 2015 PMID: 25741868, with internal and published modifications).

Blueprint Genetics
Classification: Likely benign. Last evaluated: 2023-12-29. Review status: criteria provided, single submitter. Criteria: ACMG Guidelines, 2015. Collection method: clinical testing. Allele origin: germline.

NM_000256.3(MYBPC3):c.906-25del

Gene: MYBPC3 (myosin binding protein C3; minus strand). Cytogenetic location: 11p11.2.
Variant type: Deletion.
Coding change: c.906-25del on transcript NM_000256.3 (MANE Select); 25 bases into the intron before coding-DNA position 906, one base deleted (T; older notation c.906-25delT).
Molecular consequence: intron variant.
Genome position (GRCh38, 1-based): chr11:47,347,054, A deleted on the plus strand (T on the coding strand, the reverse complement: MYBPC3 is on the minus strand); the first of 2 consecutive A bases (chr11:47,347,054-47,347,055); deleting either gives the same sequence. VCF-style (leftmost placement, unchanged base first): chr11-47347053-TA-T. GRCh37 (hg19) VCF-style: chr11-47368604-TA-T.
Other names: c.906-25delT (NM_000256.3).
Identifiers: ClinVar variation 4911592 (VCV004911592.2).